The following is an entry in ClinVar:

ClinVar aggregate classification (germline): Pathogenic (1 of 4 stars; one submission).

Conditions:
Familial adenomatous polyposis 4 (FAP4). Also called: MSH3-related attenuated familial adenomatous polyposis. Identifiers: Orphanet 480536, MedGen C4310719, MONDO:0044300, OMIM 617100.

Submission:

Myriad Genetics, Inc.
Classification: Pathogenic for Familial adenomatous polyposis 4. Last evaluated: 2024-07-23. Review status: criteria provided, single submitter. Criteria: Myriad Autosomal Dominant, Autosomal Recessive and X-Linked Classification Criteria (2023). Collection method: clinical testing. Allele origin: unknown.
Comment: This variant is considered pathogenic. This variant creates a frameshift predicted to result in premature protein truncation.

NM_002439.5(MSH3):c.313dup (p.Gln105fs)

Gene: MSH3 (mutS homolog 3; plus strand). Cytogenetic location: 5q14.1.
Variant type: Duplication.
Coding change: c.313dup on transcript NM_002439.5 (MANE Select); coding-DNA position 313, one base duplicated (C; older notation c.313dupC).
Protein change: p.Gln105fs; shifts the reading frame from glutamine 105.
Molecular consequence: frameshift variant.
Genome position (GRCh38, 1-based): chr5:80,656,486, C duplicated; the last of 2 consecutive C bases (chr5:80,656,485-80,656,486); duplicating either gives the same sequence. VCF-style (leftmost placement, unchanged base first): chr5-80656484-T-TC. GRCh37 (hg19) VCF-style: chr5-79952303-T-TC.
Other names: short protein forms Q105fs.
Identifiers: ClinVar variation 3379254 (VCV003379254.1).